The following is an entry in ClinVar:

NM_000166.6(GJB1):c.794G>A (p.Arg265His)

Gene: GJB1 (gap junction protein beta 1; plus strand). Cytogenetic location: Xq13.1.
Variant type: single nucleotide variant.
Coding change: c.794G>A on transcript NM_000166.6 (MANE Select); coding-DNA position 794, G replaced by A.
Protein change: p.Arg265His; replaces arginine 265 with histidine.
Molecular consequence: missense variant.
Genome position (GRCh38, 1-based): chrX:71,224,501, G>A. VCF-style: chrX-71224501-G-A. GRCh37 (hg19) VCF-style: chrX-70444351-G-A.
Other names: c.794G>A, p.Arg265His (NM_001097642.3); short protein forms R265H.
Identifiers: ClinVar variation 3703105 (VCV003703105.2).

ClinVar aggregate classification (germline): Uncertain significance (1 of 4 stars; one submission).

Conditions:
Charcot-Marie-Tooth Neuropathy X. Identifiers: MedGen CN118851.

gnomAD v4.1: 2 of 1,197,737 alleles (0.00017%); highest among the groups gnomAD compares: Non-Finnish European, 0.00023%; no homozygotes.

Submission:

Labcorp Genetics (formerly Invitae), Labcorp
Classification: Uncertain significance for Charcot-Marie-Tooth Neuropathy X. Last evaluated: 2024-07-18. Review status: criteria provided, single submitter. Criteria: Invitae Variant Classification Sherloc (09022015). Collection method: clinical testing. Allele origin: germline.
Comment: This sequence change replaces arginine, which is basic and polar, with histidine, which is basic and polar, at codon 265 of the GJB1 protein (p.Arg265His). The frequency data for this variant in the population databases is considered unreliable, as metrics indicate poor data quality at this position in the gnomAD database. This variant has not been reported in the literature in individuals affected with GJB1-related conditions. An algorithm developed to predict the effect of missense changes on protein structure and function (PolyPhen-2) suggests that this variant is likely to be disruptive. In summary, the available evidence is currently insufficient to determine the role of this variant in disease. Therefore, it has been classified as a Variant of Uncertain Significance.